The following is an entry in ClinVar:

NM_018896.5(CACNA1G):c.5510C>T (p.Thr1837Met)

Gene: CACNA1G (calcium voltage-gated channel subunit alpha1 G; plus strand). Cytogenetic location: 17q21.33.
Variant type: single nucleotide variant.
Coding change: c.5510C>T on transcript NM_018896.5 (MANE Select); coding-DNA position 5510, C replaced by T.
Protein change: p.Thr1837Met; replaces threonine 1837 with methionine.
Molecular consequence: missense variant. On other transcripts: non-coding transcript variant (5).
Genome position (GRCh38, 1-based): chr17:50,618,737, C>T. VCF-style: chr17-50618737-C-T. GRCh37 (hg19) VCF-style: chr17-48696098-C-T.
Other names: c.5456C>T, p.Thr1819Met (NM_001256324.2, NM_198386.3); c.5531C>T, p.Thr1844Met (NM_001256325.2); c.5375C>T, p.Thr1792Met (NM_001256326.2, NM_001256330.2); c.5489C>T, p.Thr1830Met (NM_001256327.2); c.5435C>T, p.Thr1812Met (NM_001256328.2); c.5408C>T, p.Thr1803Met (NM_001256329.2, NM_198376.3, NM_198379.3 and 2 more transcripts); c.5354C>T, p.Thr1785Met (NM_001256331.2); c.5339C>T, p.Thr1780Met (NM_001256332.2); and 7 more; short protein forms T1792M, T1799M, T1812M, T1819M, T1826M, T1830M, T1780M, T1810M.
Identifiers: ClinVar variation 3262750 (VCV003262750.3).

ClinVar aggregate classification (germline): Conflicting classifications of pathogenicity. Review status: criteria provided, conflicting classifications (1 of 4 stars). 2 submissions from 2 submitters: Uncertain significance (1); Likely benign (1). Last evaluated 2024-05-15.

Conditions:
Inborn genetic diseases. Identifiers: MedGen C0950123, MeSH D030342.
Spinocerebellar ataxia 42, early-onset, severe, with neurodevelopmental deficits. Identifiers: MedGen C4748120, MONDO:0060758, OMIM 618087.
Spinocerebellar ataxia type 42. Identifiers: Orphanet 458803, MedGen C4225205, MONDO:0014776, OMIM 616795.

gnomAD v4.1: 179 of 1,613,854 alleles (0.011%); highest among the groups gnomAD compares: Non-Finnish European, 0.014%; no homozygotes.

Submissions (2):

Ambry Genetics
Classification: Likely benign for Inborn genetic diseases. Last evaluated: 2024-05-15. Review status: criteria provided, single submitter. Criteria: Ambry Variant Classification Scheme 2023. Collection method: clinical testing. Allele origin: germline.

Juno Genomics, Hangzhou Juno Genomics, Inc
Classification: Uncertain significance for Spinocerebellar ataxia type 42; Spinocerebellar ataxia 42, early-onset, severe, with neurodevelopmental deficits. Review status: criteria provided, single submitter. Criteria: ACMG Guidelines, 2015. Collection method: clinical testing. Allele origin: germline.
Comment: Absent from controls (or at extremely low frequency if recessive) in Genome Aggregation Database.;Multiple lines of computational evidence support a deleterious effect on the gene or gene product.